The following is an entry in ClinVar:

NM_000059.4(BRCA2):c.1284_1285dup (p.Leu429fs)

Gene: BRCA2 (BRCA2 DNA repair associated; plus strand). Cytogenetic location: 13q13.1.
Variant type: Duplication.
Coding change: c.1284_1285dup on transcript NM_000059.4 (MANE Select); coding-DNA positions 1284 to 1285, 2 bases duplicated (AT; older notation c.1284_1285dupAT).
Protein change: p.Leu429fs; shifts the reading frame from leucine 429.
Molecular consequence: frameshift variant. On other transcripts: non-coding transcript variant (1), intron variant (1).
Genome position (GRCh38, 1-based): chr13:32,332,762-32,332,763, AT duplicated; duplicating any 2 consecutive bases within chr13:32,332,761-32,332,763 gives the same sequence; the c. name uses the placement nearest the transcript's 3' end. VCF-style (leftmost placement, unchanged base first): chr13-32332760-C-CTA. GRCh37 (hg19) VCF-style: chr13-32906897-C-CTA.
Other names: c.1284_1285dup, p.Leu429fs (NM_001406719.1, NM_001406720.1, NM_001406721.1 and 1 more transcripts); c.424+1732_424+1733dup (NM_001406722.1); short protein forms L429fs.
Identifiers: ClinVar variation 3647315 (VCV003647315.2).

ClinVar aggregate classification (germline): Pathogenic (1 of 4 stars; one submission).

Conditions:
Hereditary breast ovarian cancer syndrome. Also called: Hereditary breast and ovarian cancer syndrome (HBOC); Hereditary breast and ovarian cancer; BRCA1- and BRCA2-Associated Hereditary Breast and Ovarian Cancer; Hereditary breast and ovarian cancer syndrome; Hereditary breast and/or ovarian cancer syndrome; Breast and ovarian cancer. Identifiers: Orphanet 145, MedGen C0677776, MeSH D061325, MONDO:0003582. Disease mechanism: loss of function.

Submission:

Labcorp Genetics (formerly Invitae), Labcorp
Classification: Pathogenic for Hereditary breast ovarian cancer syndrome. Last evaluated: 2024-03-28. Review status: criteria provided, single submitter. Criteria: Invitae Variant Classification Sherloc (09022015). Collection method: clinical testing. Allele origin: germline.
Comment: This sequence change creates a premature translational stop signal (p.Leu429Tyrfs*2) in the BRCA2 gene. It is expected to result in an absent or disrupted protein product. Loss-of-function variants in BRCA2 are known to be pathogenic (PMID: 20104584). This variant is not present in population databases (gnomAD no frequency). This variant has not been reported in the literature in individuals affected with BRCA2-related conditions. For these reasons, this variant has been classified as Pathogenic.

Literature cited by the submitters: PubMed 20104584.